The following is an entry in ClinVar:

ClinVar aggregate classification (germline): Uncertain significance. Review status: criteria provided, multiple submitters, no conflicts (2 of 4 stars). 2 submissions from 2 submitters: Uncertain significance (2). Last evaluated 2024-11-20.

Conditions:
Hereditary cancer-predisposing syndrome. Also called: Neoplastic Syndromes, Hereditary; Hereditary neoplastic syndrome; Tumor predisposition; Hereditary Cancer Syndrome. Identifiers: Orphanet 140162, MedGen C0027672, MeSH D009386, MONDO:0015356.
Neuroblastoma, susceptibility to, 3. Also called: ALK-Related Neuroblastic Tumor Susceptibility. Identifiers: Orphanet 635, MedGen C2751681, MONDO:0013083, OMIM 613014.

Submissions (2):

Labcorp Genetics (formerly Invitae), Labcorp
Classification: Uncertain significance for Neuroblastoma, susceptibility to, 3. Last evaluated: 2024-11-20. Review status: criteria provided, single submitter. Criteria: Invitae Variant Classification Sherloc (09022015). Collection method: clinical testing. Allele origin: germline.
Comment: This sequence change replaces serine, which is neutral and polar, with phenylalanine, which is neutral and non-polar, at codon 15 of the ALK protein (p.Ser15Phe). This variant is present in population databases (rs770134645, gnomAD 0.01%). This variant has not been reported in the literature in individuals affected with ALK-related conditions. ClinVar contains an entry for this variant (Variation ID: 835668). An algorithm developed to predict the effect of missense changes on protein structure and function (PolyPhen-2) suggests that this variant is likely to be tolerated. In summary, the available evidence is currently insufficient to determine the role of this variant in disease. Therefore, it has been classified as a Variant of Uncertain Significance.

Ambry Genetics
Classification: Uncertain significance for Hereditary cancer-predisposing syndrome. Last evaluated: 2024-07-23. Review status: criteria provided, single submitter. Criteria: Ambry Variant Classification Scheme 2023. Collection method: clinical testing. Allele origin: germline.
Comment: The p.S15F variant (also known as c.44C>T), located in coding exon 1 of the ALK gene, results from a C to T substitution at nucleotide position 44. The serine at codon 15 is replaced by phenylalanine, an amino acid with highly dissimilar properties. This amino acid position is conserved. In addition, this alteration is predicted to be tolerated by in silico analysis. Based on the available evidence, the clinical significance of this variant remains unclear.

NM_004304.5(ALK):c.44C>T (p.Ser15Phe)

Gene: ALK (ALK receptor tyrosine kinase; minus strand). Cytogenetic location: 2p23.1.
Variant type: single nucleotide variant.
Coding change: c.44C>T on transcript NM_004304.5 (MANE Select); coding-DNA position 44, C replaced by T.
Protein change: p.Ser15Phe; replaces serine 15 with phenylalanine.
Molecular consequence: missense variant.
Genome position (GRCh38, 1-based): chr2:29,920,616, G>A on the plus strand (C>T on the coding strand, the complement: ALK is on the minus strand). VCF-style: chr2-29920616-G-A. GRCh37 (hg19) VCF-style: chr2-30143482-G-A.
Other names: short protein forms S15F.
Identifiers: ClinVar variation 835668 (VCV000835668.8), dbSNP rs770134645, ClinGen allele CA1595062.
Genomic context (GRCh38, chr2:29,920,616, plus strand): 5'-CCCGCAGCTGGGGAGCCCGCGCGCTGGCCGGTCCCCATCCCGGAGCCCACAGCTGCCGTG[G>A]AAAGCAGCAGCGGCAGGAGCCACAGGAGCCCGATGGCTCCCATCCCGCCGGAGGAGGCCG-3'
Protein context (NP_004295.2, residues 5-25): GLLWLLPLLL[Ser15Phe]TAAVGSGMGT